The following is an entry in ClinVar:

ClinVar aggregate classification (germline): Uncertain significance (1 of 4 stars; one submission).

Allele frequency attached by ClinVar (database versions not stated): ExAC 0.00001.
gnomAD v4.1: 1 of 1,613,154 alleles (0.000062%); highest among the groups gnomAD compares: South Asian, 0.0011%; no homozygotes.

Submission:

Labcorp Genetics (formerly Invitae), Labcorp
Classification: Uncertain significance. Last evaluated: 2022-06-27. Review status: criteria provided, single submitter. Criteria: Invitae Variant Classification Sherloc (09022015). Collection method: clinical testing. Allele origin: germline.
Comment: In summary, the available evidence is currently insufficient to determine the role of this variant in disease. Therefore, it has been classified as a Variant of Uncertain Significance. Algorithms developed to predict the effect of missense changes on protein structure and function (SIFT, PolyPhen-2, Align-GVGD) all suggest that this variant is likely to be tolerated. This variant has not been reported in the literature in individuals affected with RASA2-related conditions. This variant is present in population databases (rs771864691, gnomAD 0.003%). This sequence change replaces aspartic acid, which is acidic and polar, with valine, which is neutral and non-polar, at codon 372 of the RASA2 protein (p.Asp372Val).

NM_006506.5(RASA2):c.1115A>T (p.Asp372Val)

Gene: RASA2 (RAS p21 protein activator 2; plus strand). Cytogenetic location: 3q23.
Variant type: single nucleotide variant.
Coding change: c.1115A>T on transcript NM_006506.5 (MANE Select); coding-DNA position 1115, A replaced by T.
Protein change: p.Asp372Val; replaces aspartic acid 372 with valine.
Molecular consequence: missense variant.
Genome position (GRCh38, 1-based): chr3:141,571,500, A>T. VCF-style: chr3-141571500-A-T. GRCh37 (hg19) VCF-style: chr3-141290342-A-T.
Other names: c.1115A>T, p.Asp372Val (NM_001303245.3, NM_001303246.3); short protein forms D372V.
Identifiers: ClinVar variation 2011369 (VCV002011369.4), dbSNP rs771864691, ClinGen allele CA2645420.